The following is an entry in ClinVar:

ClinVar aggregate classification (germline): Uncertain significance. Review status: criteria provided, multiple submitters, no conflicts (2 of 4 stars). 3 submissions from 3 submitters: Uncertain significance (3). Last evaluated 2025-12-31.

Conditions:
ABCB4-related disorder. Also called: ABCB4-related disorders; ABCB4-related condition.
Inborn genetic diseases. Identifiers: MedGen C0950123, MeSH D030342.

Allele frequency attached by ClinVar (database versions not stated): TOPMed 0.00007; gnomAD 0.00009; 1000 Genomes Project 0.00060; 1000 Genomes Project 30x 0.00094.
gnomAD v4.1: 21 of 1,614,078 alleles (0.0013%); highest among the groups gnomAD compares: African/African-American, 0.024%; no homozygotes.

Submissions (3):

PreventionGenetics, part of Exact Sciences
Classification: Uncertain significance for ABCB4-related condition. Last evaluated: 2025-12-31. Review status: criteria provided, single submitter. Criteria: ACMG Guidelines, 2015. Collection method: clinical testing. Allele origin: germline.
Comment: The ABCB4 c.3013G>A variant is predicted to result in the amino acid substitution p.Ala1005Thr. To our knowledge, this variant has not been reported in the literature. This variant is reported in 0.032% of alleles in individuals of African descent in gnomAD. At this time, the clinical significance of this variant is uncertain due to the absence of conclusive functional and genetic evidence.

Ambry Genetics
Classification: Uncertain significance for Inborn genetic diseases. Last evaluated: 2025-08-21. Review status: criteria provided, single submitter. Criteria: Ambry Variant Classification Scheme 2023. Collection method: clinical testing. Allele origin: germline.

Eurofins Ntd Llc (ga)
Classification: Uncertain significance. Last evaluated: 2015-06-26. Review status: criteria provided, single submitter. Criteria: EGL Classification Definitions 2015. Collection method: clinical testing. Allele origin: germline. Observed: 2 variant alleles, 2 heterozygotes.

NM_000443.4(ABCB4):c.3013G>A (p.Ala1005Thr)

Gene: ABCB4 (ATP binding cassette subfamily B member 4; minus strand). Cytogenetic location: 7q21.12.
Variant type: single nucleotide variant.
Coding change: c.3013G>A on transcript NM_000443.4 (MANE Select); coding-DNA position 3013, G replaced by A.
Protein change: p.Ala1005Thr; replaces alanine 1005 with threonine.
Molecular consequence: missense variant.
Genome position (GRCh38, 1-based): chr7:87,409,304, C>T on the plus strand (G>A on the coding strand, the complement: ABCB4 is on the minus strand). VCF-style: chr7-87409304-C-T. GRCh37 (hg19) VCF-style: chr7-87038620-C-T.
Other names: c.3013G>A (NM_000443.3); c.3013G>A, p.Ala1005Thr (NM_018849.3); c.2872G>A, p.Ala958Thr (NM_018850.3); short protein forms A1005T, A958T.
Identifiers: ClinVar variation 281579 (VCV000281579.7), dbSNP rs531111327, ClinGen allele CA4326880.
Genomic context (GRCh38, chr7:87,409,304, plus strand): 5'-GCCCCTCTTCACTGTAGCTGTCAATCAGAGGTTGTCTTTCAAACAGCATGAATAAGTGGG[C>T]TGCAGACAGCTTAGCTTTAGCATAGTCTGGAGCAAATGAACTGGCATGTCCTAGAGCCAC-3'
Protein context (NP_000434.1, residues 995-1015): PDYAKAKLSA[Ala1005Thr]HLFMLFERQP